The following is an entry in ClinVar:

NM_000553.6(WRN):c.3461T>C (p.Ile1154Thr)

Gene: WRN (WRN RecQ like helicase; plus strand). Cytogenetic location: 8p12.
Variant type: single nucleotide variant.
Coding change: c.3461T>C on transcript NM_000553.6 (MANE Select); coding-DNA position 3461, T replaced by C.
Protein change: p.Ile1154Thr; replaces isoleucine 1154 with threonine.
Molecular consequence: missense variant.
Genome position (GRCh38, 1-based): chr8:31,147,365, T>C. VCF-style: chr8-31147365-T-C. GRCh37 (hg19) VCF-style: chr8-31004881-T-C.
Other names: short protein forms I1154T.
Identifiers: ClinVar variation 656168 (VCV000656168.7), dbSNP rs1463812768, ClinGen allele CA370925631.

ClinVar aggregate classification (germline): Uncertain significance (1 of 4 stars; one submission).

Conditions:
Werner syndrome (WRN). Identifiers: Orphanet 902, MedGen C0043119, MONDO:0010196, OMIM 277700.

Allele frequency attached by ClinVar (database versions not stated): gnomAD exomes below 0.00001 and 0.00001; TOPMed below 0.00001.
gnomAD v4.1: 9 of 1,613,840 alleles (0.00056%); highest among the groups gnomAD compares: Non-Finnish European, 0.00076%; no homozygotes.

Submission:

Labcorp Genetics (formerly Invitae), Labcorp
Classification: Uncertain significance for Werner syndrome. Last evaluated: 2025-02-12. Review status: criteria provided, single submitter. Criteria: Invitae Variant Classification Sherloc (09022015). Collection method: clinical testing. Allele origin: germline.
Comment: This sequence change replaces isoleucine, which is neutral and non-polar, with threonine, which is neutral and polar, at codon 1154 of the WRN protein (p.Ile1154Thr). This variant is present in population databases (no rsID available, gnomAD 0.0009%). This variant has not been reported in the literature in individuals affected with WRN-related conditions. ClinVar contains an entry for this variant (Variation ID: 656168). An algorithm developed to predict the effect of missense changes on protein structure and function outputs the following: PolyPhen-2: "Benign". The threonine amino acid residue is found in multiple mammalian species, which suggests that this missense change does not adversely affect protein function. In summary, the available evidence is currently insufficient to determine the role of this variant in disease. Therefore, it has been classified as a Variant of Uncertain Significance.